The following is an entry in ClinVar:

ClinVar aggregate classification (germline): Conflicting classifications of pathogenicity. Review status: criteria provided, conflicting classifications (1 of 4 stars). 3 submissions from 3 submitters: Uncertain significance (1); Benign (1); Likely benign (1). Last evaluated 2025-09-27.

Conditions:
Intellectual developmental disorder, X-linked 1. Also called: MENTAL RETARDATION, X-LINKED 18; MENTAL RETARDATION, X-LINKED 78; Intellectual disability, X-linked 1; Atkin Flaitz Patil Smith syndrome. Identifiers: Orphanet 777, MedGen C2931498, MONDO:0010656, OMIM 309530.
Inborn genetic diseases. Identifiers: MedGen C0950123, MeSH D030342.

Allele frequency attached by ClinVar (database versions not stated): gnomAD 0.00005; TOPMed 0.00002.
gnomAD v4.1: 18 of 1,209,737 alleles (0.0015%); highest among the groups gnomAD compares: Non-Finnish European, 0.0018%; no homozygotes.

Submissions (3):

Labcorp Genetics (formerly Invitae), Labcorp
Classification: Benign for Intellectual developmental disorder, X-linked 1. Last evaluated: 2025-09-27. Review status: criteria provided, single submitter. Criteria: Invitae Variant Classification Sherloc (09022015). Collection method: clinical testing. Allele origin: germline.

Ambry Genetics
Classification: Uncertain significance for Inborn genetic diseases. Last evaluated: 2024-12-06. Review status: criteria provided, single submitter. Criteria: Ambry Variant Classification Scheme 2023. Collection method: clinical testing. Allele origin: germline.

GeneDx
Classification: Likely benign. Last evaluated: 2018-01-26. Review status: criteria provided, single submitter. Criteria: GeneDx Variant Classification (06012015). Collection method: clinical testing. Allele origin: germline. Affected: yes.
Comment: This variant is considered likely benign or benign based on one or more of the following criteria: it is a conservative change, it occurs at a poorly conserved position in the protein, it is predicted to be benign by multiple in silico algorithms, and/or has population frequency not consistent with disease.

NM_001111125.3(IQSEC2):c.1625G>A (p.Arg542Gln)

Gene: IQSEC2 (IQ motif and Sec7 domain ArfGEF 2; minus strand). Cytogenetic location: Xp11.22.
Variant type: single nucleotide variant.
Coding change: c.1625G>A on transcript NM_001111125.3 (MANE Select); coding-DNA position 1625, G replaced by A.
Protein change: p.Arg542Gln; replaces arginine 542 with glutamine.
Molecular consequence: missense variant.
Genome position (GRCh38, 1-based): chrX:53,250,951, C>T on the plus strand (G>A on the coding strand, the complement: IQSEC2 is on the minus strand). VCF-style: chrX-53250951-C-T. GRCh37 (hg19) VCF-style: chrX-53280133-C-T.
Other names: c.1010G>A, p.Arg337Gln (NM_015075.2); short protein forms R542Q, R337Q.
Identifiers: ClinVar variation 517854 (VCV000517854.15), dbSNP rs782420335, ClinGen allele CA10420029.
Genomic context (GRCh38, chrX:53,250,951, plus strand): 5'-GTTCCTGATGGCACTGGTGGAGGAACTGGCGGGAGAGGGGCTGGCGCCCAGAACTCGGGC[C>T]GGCCCTGGGGTGGGGGTTCTGTGCTGGGCAGTCGCTCAGGGGATTGTTGGGGAACTGTGT-3'
Protein context (NP_001104595.1, residues 532-552): LPSTEPPPQG[Arg542Gln]PEFWAPAPLP